The following is an entry in ClinVar:

ClinVar aggregate classification (germline): Pathogenic (1 of 4 stars; one submission).

Conditions:
Marshall-Smith syndrome (MRSHSS). Identifiers: Orphanet 561, MedGen C0265211, MONDO:0011244, OMIM 602535.
Malan overgrowth syndrome (MALNS). Also called: NFIX-Related Malan Syndrome; MALAN SYNDROME; Sotos syndrome 2. Identifiers: Orphanet 420179, MedGen C3553660, MONDO:0013885, OMIM 614753.

Submission:

Labcorp Genetics (formerly Invitae), Labcorp
Classification: Pathogenic for Malan overgrowth syndrome; Marshall-Smith syndrome. Last evaluated: 2020-12-01. Review status: criteria provided, single submitter. Criteria: Invitae Variant Classification Sherloc (09022015). Collection method: clinical testing. Allele origin: germline.
Comment: For these reasons, this variant has been classified as Pathogenic. This variant has not been reported in the literature in individuals with NFIX-related conditions. This variant is not present in population databases (ExAC no frequency). This sequence change creates a premature translational stop signal (p.Arg366Lysfs*42) in the NFIX gene. It is expected to result in an absent or disrupted protein product. Loss-of-function variants in NFIX are known to be pathogenic (PMID: 20673863, 20949508, 24924640, 25118028).

Literature cited by the submitters: PubMed 20673863; PubMed 20949508; PubMed 24924640; PubMed 25118028.

NM_001365902.3(NFIX):c.1073_1076del (p.Arg358fs)

Gene: NFIX (nuclear factor I X; plus strand). Cytogenetic location: 19p13.13.
Variant type: Deletion.
Coding change: c.1073_1076del on transcript NM_001365902.3 (MANE Select); coding-DNA positions 1073 to 1076, 4 bases deleted (GACC; older notation c.1073_1076delGACC).
Protein change: p.Arg358fs; shifts the reading frame from arginine 358.
Molecular consequence: frameshift variant. On other transcripts: intron variant (1).
Genome position (GRCh38, 1-based): chr19:13,078,730-13,078,733, GACC deleted. VCF-style (leftmost placement, unchanged base first): chr19-13078729-AGACC-A. GRCh37 (hg19) VCF-style: chr19-13189543-AGACC-A.
Other names: c.1097_1100del, p.Arg366fs (NM_001271043.2); c.1049_1052del, p.Arg350fs (NM_001271044.3, NM_001378404.1); c.932_935del, p.Arg311fs (NM_001365983.2); c.1070_1073del, p.Arg357fs (NM_001365984.2, NM_001365985.2); c.1121_1124del, p.Arg374fs (NM_001378405.1); c.1073_1076del, p.Arg358fs (NM_002501.4); c.956-2950_956-2947del (NM_001365982.2); short protein forms R358fs, R350fs, R374fs, R366fs, R311fs, R357fs.
Identifiers: ClinVar variation 1457731 (VCV001457731.6), dbSNP rs2145459429, ClinGen allele CA2573156011.